The following is an entry in ClinVar:

ClinVar aggregate classification (germline): Likely benign (0 of 4 stars; one submission).

Conditions:
SMIM1-related disorder. Also called: SMIM1-related condition.

Allele frequency attached by ClinVar (database versions not stated): gnomAD 0.00003; gnomAD exomes 0.00003; TOPMed 0.00006.
gnomAD v4.1: 45 of 1,550,336 alleles (0.0029%); highest among the groups gnomAD compares: East Asian, 0.039%; no homozygotes.

Submission:

PreventionGenetics, part of Exact Sciences
Classification: Likely benign for SMIM1-related condition. Last evaluated: 2019-07-11. Review status: no assertion criteria provided. Collection method: clinical testing. Allele origin: germline.
Comment: This variant is classified as likely benign based on ACMG/AMP sequence variant interpretation guidelines (Richards et al. 2015 PMID: 25741868, with internal and published modifications).

NM_001288583.2(SMIM1):c.57C>T (p.Asp19=)

Gene: SMIM1 (small integral membrane protein 1 (Vel blood group); plus strand). Cytogenetic location: 1p36.32.
Variant type: single nucleotide variant.
Coding change: c.57C>T on transcript NM_001288583.2 (MANE Select); coding-DNA position 57, C replaced by T.
Protein change: p.Asp19=; no amino-acid change (aspartic acid 19 retained).
Molecular consequence: synonymous variant.
Genome position (GRCh38, 1-based): chr1:3,775,430, C>T. VCF-style: chr1-3775430-C-T. GRCh37 (hg19) VCF-style: chr1-3691994-C-T.
Other names: c.57C>T, p.Asp19= (NM_001163724.3, NM_001379690.1, NM_001379691.1).
Identifiers: ClinVar variation 3049952 (VCV003049952.2), dbSNP rs779762748, ClinGen allele CA17081904.
Genomic context (GRCh38, chr1:3,775,430, plus strand): 5'-CAGCATGCAGCCCCAGGAGAGCCACGTCCACTATAGTAGGTGGGAGGACGGCAGCAGGGA[C>T]GGAGTCAGCCTAGGGGCTGTGTCCAGCACAGAAGAGGCCTCACGCTGCCGCAGGTGAGGG-3'
Protein context (NP_001275512.1, residues 9-29): HYSRWEDGSR[Asp19=]GVSLGAVSST